The following is an entry in ClinVar:

NM_003923.3(FOXH1):c.244C>A (p.Arg82Ser)

Gene: FOXH1 (forkhead box H1; minus strand). Cytogenetic location: 8q24.3.
Variant type: single nucleotide variant.
Coding change: c.244C>A on transcript NM_003923.3 (MANE Select); coding-DNA position 244, C replaced by A.
Protein change: p.Arg82Ser; replaces arginine 82 with serine.
Molecular consequence: missense variant.
Genome position (GRCh38, 1-based): chr8:144,475,192, G>T on the plus strand (C>A on the coding strand, the complement: FOXH1 is on the minus strand). VCF-style: chr8-144475192-G-T. GRCh37 (hg19) VCF-style: chr8-145700575-G-T.
Other names: short protein forms R82S.
Identifiers: ClinVar variation 2733508 (VCV002733508.3), dbSNP rs1345964750, ClinGen allele CA372725619.

ClinVar aggregate classification (germline): Uncertain significance (1 of 4 stars; one submission).

Conditions:
Holoprosencephaly sequence (HPE). Also called: Holoprosencephaly. Identifiers: Orphanet 2162, MedGen C0079541, MONDO:0016296, HP:0001360.

Allele frequency attached by ClinVar (database versions not stated): gnomAD exomes below 0.00001.

Submission:

Labcorp Genetics (formerly Invitae), Labcorp
Classification: Uncertain significance for Holoprosencephaly sequence. Last evaluated: 2024-05-06. Review status: criteria provided, single submitter. Criteria: Invitae Variant Classification Sherloc (09022015). Collection method: clinical testing. Allele origin: germline.
Comment: This sequence change replaces arginine, which is basic and polar, with serine, which is neutral and polar, at codon 82 of the FOXH1 protein (p.Arg82Ser). This variant is not present in population databases (gnomAD no frequency). This variant has not been reported in the literature in individuals affected with FOXH1-related conditions. Advanced modeling of protein sequence and biophysical properties (such as structural, functional, and spatial information, amino acid conservation, physicochemical variation, residue mobility, and thermodynamic stability) has been performed at Invitae for this missense variant, however the output from this modeling did not meet the statistical confidence thresholds required to predict the impact of this variant on FOXH1 protein function. In summary, the available evidence is currently insufficient to determine the role of this variant in disease. Therefore, it has been classified as a Variant of Uncertain Significance.